The following is an entry in ClinVar:

ClinVar aggregate classification (germline): Uncertain significance (1 of 4 stars; one submission).

Conditions:
Hereditary cancer-predisposing syndrome. Also called: Neoplastic Syndromes, Hereditary; Tumor predisposition; Hereditary Cancer Syndrome; Hereditary neoplastic syndrome. Identifiers: Orphanet 140162, MedGen C0027672, MeSH D009386, MONDO:0015356.

Submission:

Ambry Genetics
Classification: Uncertain significance for Hereditary cancer-predisposing syndrome. Last evaluated: 2026-05-16. Review status: criteria provided, single submitter. Criteria: Ambry Variant Classification Scheme 2023. Collection method: clinical testing. Allele origin: germline.
Comment: The p.V90A variant (also known as c.269T>C), located in coding exon 2 of the TMEM127 gene, results from a T to C substitution at nucleotide position 269. The valine at codon 90 is replaced by alanine, an amino acid with similar properties. This amino acid position is conserved. In addition, the in silico prediction for this alteration is inconclusive. Based on the available evidence, the clinical significance of this variant remains unclear.

NM_017849.4(TMEM127):c.269T>C (p.Val90Ala)

Gene: TMEM127 (transmembrane protein 127; minus strand). Cytogenetic location: 2q11.2.
Variant type: single nucleotide variant.
Coding change: c.269T>C on transcript NM_017849.4 (MANE Select); coding-DNA position 269, T replaced by C.
Protein change: p.Val90Ala; replaces valine 90 with alanine.
Molecular consequence: missense variant.
Genome position (GRCh38, 1-based): chr2:96,254,973, A>G on the plus strand (T>C on the coding strand, the complement: TMEM127 is on the minus strand). VCF-style: chr2-96254973-A-G. GRCh37 (hg19) VCF-style: chr2-96920711-A-G.
Other names: c.269T>C, p.Val90Ala (NM_001193304.3); c.17T>C, p.Val6Ala (NM_001407282.1, NM_001407283.1); short protein forms V6A, V90A.
Identifiers: ClinVar variation 4865727 (VCV004865727.1).